The following is an entry in ClinVar:

NM_002430.3(MN1):c.3724G>A (p.Asp1242Asn)

Gene: MN1 (MN1 proto-oncogene, transcriptional regulator; minus strand). Cytogenetic location: 22q12.1.
Variant type: single nucleotide variant.
Coding change: c.3724G>A on transcript NM_002430.3 (MANE Select); coding-DNA position 3724, G replaced by A.
Protein change: p.Asp1242Asn; replaces aspartic acid 1242 with asparagine.
Molecular consequence: missense variant.
Genome position (GRCh38, 1-based): chr22:27,796,820, C>T on the plus strand (G>A on the coding strand, the complement: MN1 is on the minus strand). VCF-style: chr22-27796820-C-T. GRCh37 (hg19) VCF-style: chr22-28192808-C-T.
Other names: short protein forms D1242N.
Identifiers: ClinVar variation 3369250 (VCV003369250.1).

ClinVar aggregate classification (germline): Uncertain significance (1 of 4 stars; one submission).

gnomAD v4.1: 2 of 1,610,372 alleles (0.00012%); highest among the groups gnomAD compares: South Asian, 0.0011%; no homozygotes.

Submission:

GeneDx
Classification: Uncertain significance. Last evaluated: 2024-02-12. Review status: criteria provided, single submitter. Criteria: GeneDx Variant Classification Process June 2021. Collection method: clinical testing. Allele origin: germline. Affected: yes.
Comment: In silico analysis supports that this missense variant has a deleterious effect on protein structure/function; Has not been previously published as pathogenic or benign to our knowledge